The following is an entry in ClinVar:

ClinVar aggregate classification (germline): Uncertain significance (1 of 4 stars; one submission).

gnomAD v4.1: 1 of 1,614,034 alleles (0.000062%); highest among the groups gnomAD compares: Non-Finnish European, 0.000085%; no homozygotes.

Submission:

GeneDx
Classification: Uncertain significance. Last evaluated: 2025-05-21. Review status: criteria provided, single submitter. Criteria: GeneDx Variant Classification Process June 2021. Collection method: clinical testing. Allele origin: germline. Affected: yes.
Comment: Not observed at significant frequency in large population cohorts (gnomAD); In silico analysis suggests that this missense variant does not alter protein structure/function; Has not been previously published as pathogenic or benign to our knowledge

NM_005475.3(SH2B3):c.948G>C (p.Glu316Asp)

Gene: SH2B3 (SH2B adaptor protein 3; plus strand). Cytogenetic location: 12q24.12.
Variant type: single nucleotide variant.
Coding change: c.948G>C on transcript NM_005475.3 (MANE Select); coding-DNA position 948, G replaced by C.
Protein change: p.Glu316Asp; replaces glutamic acid 316 with aspartic acid.
Molecular consequence: missense variant.
Genome position (GRCh38, 1-based): chr12:111,447,146, G>C. VCF-style: chr12-111447146-G-C. GRCh37 (hg19) VCF-style: chr12-111884950-G-C.
Other names: c.342G>C, p.Glu114Asp (NM_001291424.1); short protein forms E114D, E316D.
Identifiers: ClinVar variation 4530944 (VCV004530944.1).
Genomic context (GRCh38, chr12:111,447,146, plus strand): 5'-ACCTGCCCAGATCCTTAACCTCAGCCTCTTCTCCAGCAGGCTGGAGAGCACAGAAGCAGA[G>C]ATGCATATTCCCTCAGCCCTAGAGCCTAGCACGTCCAGCTCCCCAAGGGGCAGCACAGAT-3'
Protein context (NP_005466.1, residues 306-326): TGRGLESTEA[Glu316Asp]MHIPSALEPS